The following is an entry in ClinVar:

ClinVar aggregate classification (germline): Conflicting classifications of pathogenicity. Review status: criteria provided, conflicting classifications (1 of 4 stars). 2 submissions from 2 submitters: Pathogenic (1); Uncertain significance (1). Last evaluated 2026-01-12.

Allele frequency attached by ClinVar (database versions not stated): gnomAD exomes 0.00002; ExAC 0.00006; gnomAD 0.00015; TOPMed 0.00018; ESP Exome Variant Server 0.00024.

Submissions (2):

Labcorp Genetics (formerly Invitae), Labcorp
Classification: Pathogenic. Last evaluated: 2026-01-12. Review status: criteria provided, single submitter. Criteria: Invitae Variant Classification Sherloc (09022015). Collection method: clinical testing. Allele origin: germline.
Comment: This sequence change creates a premature translational stop signal (p.Thr309Asnfs*12) in the POP1 gene. It is expected to result in an absent or disrupted protein product. Loss-of-function variants in POP1 are known to be pathogenic (PMID: 21455487). This variant is present in population databases (rs769812078, gnomAD 0.06%). This variant has not been reported in the literature in individuals affected with POP1-related conditions. ClinVar contains an entry for this variant (Variation ID: 1985811). Algorithms developed to predict the effect of sequence changes on RNA splicing suggest that this variant may disrupt the consensus splice site. For these reasons, this variant has been classified as Pathogenic.

Blueprint Genetics
Classification: Uncertain significance. Last evaluated: 2024-10-17. Review status: criteria provided, single submitter. Criteria: ACMG Guidelines, 2015. Collection method: clinical testing. Allele origin: germline.

Literature cited by the submitters: PubMed 21455487 (cited by Labcorp Genetics (formerly Invitae), Labcorp).

NM_001145860.2(POP1):c.925dup (p.Thr309fs)

Gene: POP1 (POP1 ribonuclease P/MRP subunit; plus strand). Cytogenetic location: 8q22.2.
Variant type: Duplication.
Coding change: c.925dup on transcript NM_001145860.2 (MANE Select); coding-DNA position 925, one base duplicated (A; older notation c.925dupA).
Protein change: p.Thr309fs; shifts the reading frame from threonine 309.
Molecular consequence: frameshift variant.
Genome position (GRCh38, 1-based): chr8:98,134,573, A duplicated. VCF-style (leftmost placement, unchanged base first): chr8-98134572-T-TA. GRCh37 (hg19) VCF-style: chr8-99146800-T-TA.
Other names: c.925dup, p.Thr309fs (NM_001145861.2, NM_015029.3); short protein forms T309fs.
Identifiers: ClinVar variation 1985811 (VCV001985811.5), dbSNP rs769812078, ClinGen allele CA4820448.